The following is an entry in ClinVar:

ClinVar aggregate classification (germline): Uncertain significance. Review status: criteria provided, single submitter (1 of 4 stars). 2 submissions from 2 submitters: Uncertain significance (1). 1 of the submissions does not count toward it. Last evaluated 2022-07-19.

Conditions:
Usher syndrome type 2A. Also called: USHER SYNDROME, TYPE IIA; RETINAL DISEASE IN USHER SYNDROME TYPE IIA, MODIFIER OF. Identifiers: Orphanet 231178, Orphanet 886, MedGen C1848634, MONDO:0010169, OMIM 276901.

gnomAD v4.1: 7 of 1,614,032 alleles (0.00043%); highest among the groups gnomAD compares: Non-Finnish European, 0.00059%; no homozygotes.

Submissions (2):

Labcorp Genetics (formerly Invitae), Labcorp
Classification: Uncertain significance. Last evaluated: 2022-07-19. Review status: criteria provided, single submitter. Criteria: Invitae Variant Classification Sherloc (09022015). Collection method: clinical testing. Allele origin: germline.
Comment: This sequence change replaces glycine, which is neutral and non-polar, with tryptophan, which is neutral and slightly polar, at codon 1226 of the USH2A protein (p.Gly1226Trp). This variant is present in population databases (rs770349057, gnomAD 0.0009%). This variant has not been reported in the literature in individuals affected with USH2A-related conditions. ClinVar contains an entry for this variant (Variation ID: 1436168). Algorithms developed to predict the effect of missense changes on protein structure and function are either unavailable or do not agree on the potential impact of this missense change (SIFT: "Deleterious"; PolyPhen-2: "Probably Damaging"; Align-GVGD: "Class C0"). In summary, the available evidence is currently insufficient to determine the role of this variant in disease. Therefore, it has been classified as a Variant of Uncertain Significance.

Natera, Inc.
Classification: Uncertain significance for Usher syndrome type 2A. Last evaluated: 2025-03-11. Review status: no assertion criteria provided. Collection method: clinical testing. Allele origin: germline. Not counted in ClinVar's aggregate classification.

NM_206933.4(USH2A):c.3676G>T (p.Gly1226Trp)

Genes: USH2A (usherin; minus strand), USH2A-AS1 (USH2A antisense RNA 1; plus strand). Cytogenetic location: 1q41.
Variant type: single nucleotide variant.
Coding change: c.3676G>T on transcript NM_206933.4 (MANE Select); coding-DNA position 3676, G replaced by T.
Protein change: p.Gly1226Trp; replaces glycine 1226 with tryptophan.
Molecular consequence: missense variant.
Genome position (GRCh38, 1-based): chr1:216,199,762, C>A on the plus strand (G>T on the coding strand, the complement: USH2A is on the minus strand). VCF-style: chr1-216199762-C-A. GRCh37 (hg19) VCF-style: chr1-216373104-C-A.
Other names: c.3676G>T, p.Gly1226Trp (NM_007123.6); c.3676G>T (NM_206933.2); short protein forms G1226W.
Identifiers: ClinVar variation 1436168 (VCV001436168.5), dbSNP rs770349057, ClinGen allele CA1395943.